The following is an entry in ClinVar:

ClinVar aggregate classification (germline): Conflicting classifications of pathogenicity. Review status: criteria provided, conflicting classifications (1 of 4 stars). 2 submissions from 2 submitters: Likely pathogenic (1); Uncertain significance (1). Last evaluated 2023-08-19.

Conditions:
Inborn genetic diseases. Identifiers: MedGen C0950123, MeSH D030342.
Bethlem myopathy 1A. Also called: MYOPATHY, BENIGN CONGENITAL, WITH CONTRACTURES; Bethlem Muscular Dystrophy; Bethlem myopathy 1. Identifiers: Orphanet 610, MedGen CN029274, MONDO:0024530, OMIM 158810.

Allele frequency attached by ClinVar (database versions not stated): gnomAD exomes below 0.00001.
gnomAD v4.1: 3 of 1,614,204 alleles (0.00019%); highest among the groups gnomAD compares: Non-Finnish European, 0.00025%; no homozygotes.

Submissions (2):

Ambry Genetics
Classification: Uncertain significance for Inborn genetic diseases. Last evaluated: 2023-08-19. Review status: criteria provided, single submitter. Criteria: Ambry Variant Classification Scheme 2023. Collection method: clinical testing. Allele origin: germline.

Victorian Clinical Genetics Services, Murdoch Childrens Research Institute
Classification: Likely pathogenic for Bethlem myopathy 1A. Last evaluated: 2023-07-17. Review status: criteria provided, single submitter. Criteria: ACMG Guidelines, 2015. Collection method: clinical testing. Allele origin: germline. Affected: yes.
Comment: Based on the classification scheme VCGS_Germline_v1.3.4, this variant is classified as Likely pathogenic. Following criteria are met: 0103 - Dominant negative and loss of function are known mechanisms of disease in this gene and are associated with Bethlem myopathy 1 (MIM#158810), Dystonia 27 (MIM#616411) and Ullrich congenital muscular dystrophy 1 (MIM#254090). (I) 0108 - This gene is associated with both recessive and dominant disease (OMIM). (I) 0200 - Variant is predicted to result in a missense amino acid change from glycine to serine. (I) 0251 - This variant is heterozygous. (I) 0301 - Variant is absent from gnomAD (both v2 and v3). (SP) 0501 - Missense variant consistently predicted to be damaging by multiple in silico tools or highly conserved with a major amino acid change. (SP) 0601 - Variant is located in the well-established functional collagen domain and is the glycine of the G-X-Y motif (DECIPHER). (SP) 0703 - Other missense variants comparable to the one identified in this case have moderate previous evidence for pathogenicity. Changes to aspartic acid and cysteine have been reported in patients with myopathy (LOVD, PMIDs: 15689448, 24314752). (SP) 0807 - This variant has no previous evidence of pathogenicity. (I) 0905 - No published segregation evidence has been identified for this variant. (I) 1007 - No published functional evidence has been identified for this variant. (I) 1208 - Inheritance information for this variant is not currently available in this individual. (I) Legend: (SP) - Supporting pathogenic, (I) - Information, (SB) - Supporting benign

Literature cited by the submitters: PubMed 15689448 (cited by Victorian Clinical Genetics Services, Murdoch Childrens Research Institute); PubMed 24314752 (cited by Victorian Clinical Genetics Services, Murdoch Childrens Research Institute).

NM_004369.4(COL6A3):c.6139G>A (p.Gly2047Ser)

Gene: COL6A3 (collagen type VI alpha 3 chain; minus strand). Cytogenetic location: 2q37.3.
Variant type: single nucleotide variant.
Coding change: c.6139G>A on transcript NM_004369.4 (MANE Select); coding-DNA position 6139, G replaced by A.
Protein change: p.Gly2047Ser; replaces glycine 2047 with serine.
Molecular consequence: missense variant.
Genome position (GRCh38, 1-based): chr2:237,361,756, C>T on the plus strand (G>A on the coding strand, the complement: COL6A3 is on the minus strand). VCF-style: chr2-237361756-C-T. GRCh37 (hg19) VCF-style: chr2-238270399-C-T.
Other names: c.4318G>A, p.Gly1440Ser (NM_057166.5); c.5521G>A, p.Gly1841Ser (NM_057167.4); short protein forms G1440S, G1841S, G2047S.
Identifiers: ClinVar variation 2619335 (VCV002619335.3), dbSNP rs2469867117, ClinGen allele CA351217709.
Genomic context (GRCh38, chr2:237,361,756, plus strand): 5'-TGACACCTCATCTCAGGCGTGGGCAAGGGTAAAGCCACCGTACCTTTGGCCCGATGCTGC[C>T]GATGGGCCCGCGGTCTCCCCTCTGCCCAGAGCACTTGCAGGGAACCCCACAGCAAGCTTT-3'
Protein context (NP_004360.2, residues 2037-2057): SGQRGDRGPI[Gly2047Ser]SIGPKGIPGE